The following is an entry in ClinVar:

NM_016373.4(WWOX):c.1171G>T (p.Glu391Ter)

Genes: MAF (MAF bZIP transcription factor; minus strand), WWOX (WW domain containing oxidoreductase; plus strand). Cytogenetic location: 16q23.2.
Variant type: single nucleotide variant.
Coding change: c.1171G>T on transcript NM_016373.4 (MANE Select); coding-DNA position 1171, G replaced by T.
Protein change: p.Glu391Ter; replaces glutamic acid 391 with a stop codon.
Molecular consequence: nonsense.
Genome position (GRCh38, 1-based): chr16:79,211,722, G>T. VCF-style: chr16-79211722-G-T. GRCh37 (hg19) VCF-style: chr16-79245619-G-T.
Other names: c.832G>T, p.Glu278Ter (NM_001291997.2); short protein forms E278*, E391*.
Identifiers: ClinVar variation 1329854 (VCV001329854.5), dbSNP rs375757102, ClinGen allele CA396537206.
Genomic context (GRCh38, chr16:79,211,722, plus strand): 5'-CTGGGAGGGATGTACTTCAACAACTGCTGCCGCTGCATGCCCTCACCAGAAGCTCAGAGC[G>T]AAGAGACGGCCCGGACCCTGTGGGCGCTCAGCGAGAGGCTGATCCAAGAACGGCTTGGCA-3'

ClinVar aggregate classification (germline): Pathogenic. Review status: criteria provided, multiple submitters, no conflicts (2 of 4 stars). 3 submissions from 3 submitters: Pathogenic (2). 1 of the submissions does not count toward it. Last evaluated 2024-09-20.

Conditions:
Developmental and epileptic encephalopathy, 28 (DEE28). Also called: Epileptic encephalopathy, early infantile, 28. Identifiers: Orphanet 442835, MedGen C4015519, MONDO:0014533, OMIM 616211.
Neurodevelopmental delay. Identifiers: MedGen C4022738, HP:0012758.

gnomAD v4.1: 1 of 1,614,222 alleles (0.000062%); highest among the groups gnomAD compares: South Asian, 0.0011%; no homozygotes.

Submissions (3):

Kids Research, The Children's Hospital at Westmead
Classification: Pathogenic for Developmental and epileptic encephalopathy, 28. Last evaluated: 2024-09-20. Review status: criteria provided, single submitter. Criteria: ACMG Guidelines, 2015. Collection method: research. Allele origin: germline. Affected: yes.
Comment: PVS1_Strong, PM3_Strong, PM2

Centre de Biologie Pathologie Génétique, Centre Hospitalier Universitaire de Lille
Classification: Pathogenic for Neurodevelopmental delay. Review status: criteria provided, single submitter. Criteria: ACMG Guidelines, 2015. Collection method: clinical testing. Allele origin: biparental. Affected: yes.

Department Of Genetics, Lifeline Super Speciality Hospital, Adoor.
Classification: Pathogenic for Developmental and epileptic encephalopathy, 28. Last evaluated: 2017-08-29. Review status: no assertion criteria provided. Collection method: clinical testing. Allele origin: biparental. Inheritance: Autosomal recessive inheritance. Affected: yes. Observed: 2 variant alleles, 2 homozygotes. Not counted in ClinVar's aggregate classification.